The following is an entry in ClinVar:

NM_000059.4(BRCA2):c.5195del (p.Leu1732fs)

Gene: BRCA2 (BRCA2 DNA repair associated; plus strand). Cytogenetic location: 13q13.1.
Variant type: Deletion.
Coding change: c.5195del on transcript NM_000059.4 (MANE Select); coding-DNA position 5195, one base deleted (T; older notation c.5195delT).
Protein change: p.Leu1732fs; shifts the reading frame from leucine 1732.
Molecular consequence: frameshift variant.
Genome position (GRCh38, 1-based): chr13:32,339,550, T deleted. VCF-style (leftmost placement, unchanged base first): chr13-32339549-CT-C. GRCh37 (hg19) VCF-style: chr13-32913686-CT-C.
Other names: 5423delT; c.5195delT (NM_000059.3).
Identifiers: ClinVar variation 89048 (VCV000089048.32), dbSNP rs587779363, ClinGen allele CA021647.

ClinVar aggregate classification (germline): Pathogenic. Review status: reviewed by expert panel (3 of 4 stars). 13 submissions from 13 submitters: Pathogenic (1). 12 of the submissions do not count toward it. Last evaluated 2016-09-08.

Conditions:
Hereditary cancer-predisposing syndrome. Also called: Tumor predisposition; Hereditary Cancer Syndrome; Neoplastic Syndromes, Hereditary; Hereditary neoplastic syndrome. Identifiers: Orphanet 140162, MedGen C0027672, MeSH D009386, MONDO:0015356.
Hereditary breast ovarian cancer syndrome. Also called: Breast and ovarian cancer; Hereditary breast and ovarian cancer; Hereditary breast and ovarian cancer syndrome; BRCA1- and BRCA2-Associated Hereditary Breast and Ovarian Cancer; Hereditary breast and ovarian cancer syndrome (HBOC); Hereditary breast and/or ovarian cancer syndrome. Identifiers: Orphanet 145, MedGen C0677776, MeSH D061325, MONDO:0003582. Disease mechanism: loss of function.
Familial cancer of breast. Also called: BREAST CANCER, FAMILIAL; hereditary breast carcinoma; Hereditary breast cancer. Identifiers: Orphanet 227535, MedGen C0346153, MONDO:0016419, OMIM 114480. Disease mechanism: loss of function.
Breast-ovarian cancer, familial, susceptibility to, 2 (BROVCA2). Also called: BRCA2 Hereditary Breast and Ovarian Cancer. Identifiers: Orphanet 145, MedGen C2675520, MONDO:0012933, OMIM 612555. Disease mechanism: loss of function.

Submissions (13):

Evidence-based Network for the Interpretation of Germline Mutant Alleles (ENIGMA)
Classification: Pathogenic for Breast-ovarian cancer, familial, susceptibility to, 2. Last evaluated: 2016-09-08. Review status: reviewed by expert panel. Criteria: ENIGMA BRCA1/2 Classification Criteria (2015). Collection method: curation. Allele origin: germline.
Comment: Variant allele predicted to encode a truncated non-functional protein.

Ambry Genetics
Classification: Pathogenic for Hereditary cancer-predisposing syndrome. Last evaluated: 2025-09-02. Review status: criteria provided, single submitter. Criteria: Ambry Variant Classification Scheme 2023. Collection method: clinical testing. Allele origin: germline. Not counted in ClinVar's aggregate classification.
Comment: The c.5195delT pathogenic mutation, located in coding exon 10 of the BRCA2 gene, results from a deletion of one nucleotide at nucleotide position 5195, causing a translational frameshift with a predicted alternate stop codon (p.L1732Pfs*9). This variant is considered to be rare based on population cohorts in the Genome Aggregation Database (gnomAD). This alteration is expected to result in loss of function by premature protein truncation or nonsense-mediated mRNA decay. As such, this alteration is interpreted as a disease-causing mutation.

Labcorp Genetics (formerly Invitae), Labcorp
Classification: Pathogenic for Hereditary breast ovarian cancer syndrome. Last evaluated: 2025-08-06. Review status: criteria provided, single submitter. Criteria: Invitae Variant Classification Sherloc (09022015). Collection method: clinical testing. Allele origin: germline. Not counted in ClinVar's aggregate classification.
Comment: This sequence change creates a premature translational stop signal (p.Leu1732Profs*9) in the BRCA2 gene. It is expected to result in an absent or disrupted protein product. Loss-of-function variants in BRCA2 are known to be pathogenic (PMID: 20104584). This variant is not present in population databases (gnomAD no frequency). This premature translational stop signal has been observed in individual(s) with a personal or family history of breast and/or ovarian cancer (PMID: 29446198). ClinVar contains an entry for this variant (Variation ID: 89048). For these reasons, this variant has been classified as Pathogenic.

Baylor Genetics
Classification: Pathogenic for Familial cancer of breast. Last evaluated: 2024-02-02. Review status: criteria provided, single submitter. Criteria: ACMG Guidelines, 2015. Collection method: clinical testing. Allele origin: unknown. Not counted in ClinVar's aggregate classification.

All of Us Research Program, National Institutes of Health
Classification: Pathogenic for Breast-ovarian cancer, familial, susceptibility to, 2. Last evaluated: 2023-12-18. Review status: criteria provided, single submitter. Criteria: ACMG Guidelines, 2015. Collection method: clinical testing. Allele origin: germline. Inheritance: Autosomal dominant inheritance. Observed: 1 variant allele, 1 heterozygote. Not counted in ClinVar's aggregate classification.
Comment: This variant deletes 1 nucleotide in exon 11 of the BRCA2 gene, creating a frameshift and premature translation stop signal. This variant is expected to result in an absent or non-functional protein product. A similar frameshift and truncation variant has been reported in an individual affected with breast cancer (PMID: 29700634). This variant has not been identified in the general population by the Genome Aggregation Database (gnomAD). Loss of BRCA2 function is a known mechanism of disease. Based on the available evidence, this variant is classified as Pathogenic.

This study involves interpretation of variants in research participants for the purpose of population health screening. Participant phenotype was not available at the time of variant classification. Additional details can be found in publication PMID: 35346344, PMCID: PMC8962531

Quest Diagnostics Nichols Institute San Juan Capistrano
Classification: Pathogenic. Last evaluated: 2023-12-12. Review status: criteria provided, single submitter. Criteria: Quest Diagnostics criteria. Collection method: clinical testing. Allele origin: unknown. Not counted in ClinVar's aggregate classification.
Comment: The BRCA2 c.5195del (p.Leu1732Profs*9) variant alters the translational reading frame of the BRCA2 mRNA and causes the premature termination of BRCA2 protein synthesis. . In the published literature, this variant has been reported in individuals with a personal or family history of breast cancer or other hereditary cancer (PMIDs: 29700634 (2018), 31853058 (2020)), and observed in a screening study of families with BRCA1 and BRCA2 pathogenic variants (PMID: 29446198 (2018)). This variant has not been reported in large, multi-ethnic general populations (Genome Aggregation Database). Based on the available information, this variant is classified as pathogenic.

Color Diagnostics, LLC DBA Color Health
Classification: Pathogenic for Hereditary cancer-predisposing syndrome. Last evaluated: 2023-10-05. Review status: criteria provided, single submitter. Criteria: ACMG Guidelines, 2015. Collection method: clinical testing. Allele origin: germline. Not counted in ClinVar's aggregate classification.
Comment: This variant deletes 1 nucleotide in exon 11 of the BRCA2 gene, creating a frameshift and premature translation stop signal. This variant is expected to result in an absent or non-functional protein product. A similar frameshift and truncation variant has been reported in an individual affected with breast cancer (PMID: 29700634). This variant has not been identified in the general population by the Genome Aggregation Database (gnomAD). Loss of BRCA2 function is a known mechanism of disease. Based on the available evidence, this variant is classified as Pathogenic.

ARUP Laboratories, Molecular Genetics and Genomics, ARUP Laboratories
Classification: Pathogenic. Last evaluated: 2023-08-29. Review status: criteria provided, single submitter. Criteria: ARUP Molecular Germline Variant Investigation Process 2024. Collection method: clinical testing. Allele origin: germline. Not counted in ClinVar's aggregate classification.
Comment: The BRCA2 c.5195del; p.Leu1732ProfsTer9 variant (rs587779363) is reported in the literature in individuals affected with breast cancer (Kaur 2018, Rebbeck 2018). This variant is also reported in ClinVar (Variation ID: 89048), and is classified as pathogenic by the evidence-based network for the interpretation of germline mutant alleles (ENIGMA) expert panel (see link to ENIGMA consortium classification criteria). This variant is absent from the Genome Aggregation Database, indicating it is not a common polymorphism. This variant causes a frameshift by deleting a single nucleotide, so it is predicted to result in a truncated protein or mRNA subject to nonsense-mediated decay. Based on available information, this variant is considered to be pathogenic. References: Link to ENIGMA classification criteria: Kaur RP et al. Frequency of pathogenic germline mutations in cancer susceptibility genes in breast cancer patients. Med Oncol. 2018 Apr 26;35(6):81. PMID: 29700634. Rebbeck TR et al. Mutational spectrum in a worldwide study of 29,700 families with BRCA1 or BRCA2 mutations. Hum Mutat. 2018 May;39(5):593-620. PMID: 29446198.

Women's Health and Genetics/Laboratory Corporation of America, LabCorp
Classification: Pathogenic for Hereditary breast and ovarian cancer syndrome. Last evaluated: 2020-07-27. Review status: criteria provided, single submitter. Criteria: LabCorp Variant Classification Summary - May 2015. Collection method: clinical testing. Allele origin: germline. Not counted in ClinVar's aggregate classification.
Comment: Variant summary: BRCA2 c.5195delT (p.Leu1732ProfsX9) results in a premature termination codon, predicted to cause a truncation of the encoded protein or absence of the protein due to nonsense mediated decay, which are commonly known mechanisms for disease. Truncations downstream of this position have been classified as pathogenic by our laboratory. The variant was absent in 244186 control chromosomes (gnomAD). c.5195delT has been reported in the literature in multiple individuals affected with breast cancer and/or ovarian cancer (Rebbeck_2018, Kaur_2018). These data indicate that the variant is very likely to be associated with disease. To our knowledge, no experimental evidence demonstrating an impact on protein function has been reported. Six ClinVar submitters, including one expert panel (ENIGMA), (evaluation after 2014) cite the variant as pathogenic. Based on the evidence outlined above, the variant was classified as pathogenic.

PreventionGenetics, part of Exact Sciences
Classification: Pathogenic. Last evaluated: 2017-07-31. Review status: criteria provided, single submitter. Criteria: ACMG Guidelines, 2015. Collection method: clinical testing. Allele origin: germline. Not counted in ClinVar's aggregate classification.

Consortium of Investigators of Modifiers of BRCA1/2 (CIMBA), c/o University of Cambridge
Classification: Pathogenic for Breast-ovarian cancer, familial, susceptibility to, 2. Last evaluated: 2015-10-02. Review status: criteria provided, single submitter. Criteria: CIMBA Mutation Classification guidelines May 2016. Collection method: clinical testing. Allele origin: germline. Not counted in ClinVar's aggregate classification.

GeneDx
Classification: Pathogenic for Familial cancer of breast. Last evaluated: 2013-09-25. Review status: criteria provided, single submitter. Criteria: GeneDx Variant Classification (06012015). Collection method: clinical testing. Allele origin: germline. Affected: yes. Not counted in ClinVar's aggregate classification.
Comment: This variant is denoted c.5195delT at the cDNA level or p.Leu1732ProfsX9 (L1732PfsX9) at the protein level. The sequence with the deleted bases in brackets is: CATC{T}CTCC. The deletion is a frameshift variant, changing a Leucine residue to a Proline residue at codon 1732, and creating a premature stop codon at position 9 of the new reading frame. This variant is predicted to cause loss of normal protein function either through protein truncation or nonsense-mediated mRNA decay. Although this particular deletion has not been reported in the literature to our knowledge, its presence is consistent with the risk to develop features associated with Hereditary Breast and Ovarian Cancer syndrome. Hereditary Breast and Ovarian Cancer (HBOC) syndrome is an autosomal dominant condition that predisposes to breast and ovarian cancer as well as other cancers. The predominant BRCA2-related cancer risks for women who have not been diagnosed with cancer have been estimated as 41% - 84% lifetime risk for breast cancer and 11% - 27% lifetime risk for ovarian cancer (Ford 1998, Risch 2006). BRCA2 variants have also been reported in women with fallopian tube carcinoma, primary peritoneal carcinoma, and uterine serous carcinoma (Levine 2003, Biron-Shental 2006). Women with BRCA1/2 variants also have an increased risk for contralateral breast cancer. Women with BRCA variants whose first cancer was diagnosed under age 40 have a 21-31% risk to develop a second breast cancer within 10 years and a 63% risk to develop a second breast cancer within 25 years. Women with BRCA variants whose first cancer was diagnosed between ages 40 and 50 have an 11-13% risk to develop a second breast cancer within 10 years and a 44-49% risk within 25 years. Women with BRCA variants whose first cancer was diagnosed after age 50 have an 8% risk to develop a second breast cancer within 10 years and a 20% risk within 25 years (Graeser 2009). Other cancer risks associated with a BRCA2 variant include up to a 7% risk for pancreatic cancer (Ozcelik 1997, The Breast Cancer Linkage Consortium 1999), up to a 34% risk for prostate cancer in male carriers (Thompson 2001), and up to a 7% risk for male breast cancer (Liede 2004). The variant is found in BRCA2 panel(s).

Sharing Clinical Reports Project (SCRP)
Classification: Pathogenic for Breast-ovarian cancer, familial 2. Last evaluated: 2011-07-26. Review status: no assertion criteria provided. Collection method: clinical testing. Allele origin: germline. Not counted in ClinVar's aggregate classification.

Literature cited by the submitters: PubMed 29446198 (cited by 4 submitters); PubMed 20104584 (cited by Labcorp Genetics (formerly Invitae), Labcorp); PubMed 29700634 (cited by 4 submitters); PubMed 31853058 (cited by Quest Diagnostics Nichols Institute San Juan Capistrano).